The following is an entry in ClinVar:

NM_017777.4(MKS1):c.676T>C (p.Cys226Arg)

Gene: MKS1 (MKS transition zone complex subunit 1; minus strand). Cytogenetic location: 17q22.
Variant type: single nucleotide variant.
Coding change: c.676T>C on transcript NM_017777.4 (MANE Select); coding-DNA position 676, T replaced by C.
Protein change: p.Cys226Arg; replaces cysteine 226 with arginine.
Molecular consequence: missense variant.
Genome position (GRCh38, 1-based): chr17:58,213,838, A>G on the plus strand (T>C on the coding strand, the complement: MKS1 is on the minus strand). VCF-style: chr17-58213838-A-G. GRCh37 (hg19) VCF-style: chr17-56291199-A-G.
Other names: c.67T>C, p.Cys23Arg (NM_001321268.2); c.676T>C, p.Cys226Arg (NM_001321269.2, NM_001330397.2, NM_001411113.1); short protein forms C226R, C23R.
Identifiers: ClinVar variation 2043864 (VCV002043864.4), dbSNP rs2509442435, ClinGen allele CA400326731.

ClinVar aggregate classification (germline): Uncertain significance (1 of 4 stars; one submission).

Conditions:
Joubert syndrome. Also called: CEREBELLOPARENCHYMAL DISORDER IV; JOUBERT-BOLTSHAUSER SYNDROME; Familial aplasia of the vermis. Identifiers: Orphanet 475, MedGen C5979921, MONDO:0018772.
Meckel-Gruber syndrome. Also called: DYSENCEPHALIA SPLANCHNOCYSTICA; GRUBER SYNDROME; Dysencephalia splachnocystica. Identifiers: Orphanet 564, MedGen C0265215, MONDO:0018921.

Submission:

Labcorp Genetics (formerly Invitae), Labcorp
Classification: Uncertain significance for Joubert syndrome; Meckel-Gruber syndrome. Last evaluated: 2022-04-28. Review status: criteria provided, single submitter. Criteria: Invitae Variant Classification Sherloc (09022015). Collection method: clinical testing. Allele origin: germline.
Comment: In summary, the available evidence is currently insufficient to determine the role of this variant in disease. Therefore, it has been classified as a Variant of Uncertain Significance. Advanced modeling of protein sequence and biophysical properties (such as structural, functional, and spatial information, amino acid conservation, physicochemical variation, residue mobility, and thermodynamic stability) performed at Invitae indicates that this missense variant is expected to disrupt MKS1 protein function. This variant has not been reported in the literature in individuals affected with MKS1-related conditions. This variant is not present in population databases (gnomAD no frequency). This sequence change replaces cysteine, which is neutral and slightly polar, with arginine, which is basic and polar, at codon 226 of the MKS1 protein (p.Cys226Arg).